The following continues an entry in ClinVar:

NM_000169.3(GLA):c.335G>A (p.Arg112His)

ClinVar aggregate classification (germline): Pathogenic/Likely pathogenic. Pathogenic (23); Likely pathogenic (1).

Submissions 18 to 28 of 28:

GeneDx
Classification: Pathogenic. Last evaluated: 2020-03-08. Review status: criteria provided, single submitter. Criteria: GeneDx Variant Classification Process June 2021. Collection method: clinical testing. Allele origin: germline. Affected: yes.
Comment: Published functional studies demonstrate decreased alpha galactosidase activity compared to wildtype (Lukas et al., 2013; Ishii et al., 2007); Not observed at a significant frequency in large population cohorts (Lek et al., 2016); This variant is associated with the following publications: (PMID: 33204599, 30477121, 31956509, 11889412, 30386727, 27979989, 15776423, 20022777, 27657681, 25040344, 25382311, 27831900, 7531540, 24386359, 23935525, 21598360, 18205205, 23913314, 25026990, 17555407, 17532296)

Broad Center for Mendelian Genomics, Broad Institute of MIT and Harvard
Classification: Pathogenic for Fabry disease. Last evaluated: 2020-01-22. Review status: criteria provided, single submitter. Criteria: ACMG Guidelines, 2015. Collection method: curation. Allele origin: germline. Inheritance: X-linked inheritance.
Comment: The p.Arg112His variant in GLA has been reported in over 15 individuals with Fabry Disease, segregated with disease in three affected relatives from one family (PMID: 25040344, 27831900, 25040344, 25026990, 23913314, 7531540, 17532296, 18205205, 17555407), and has been identified in 0.0024% (2/81850) of European (non-Finnish) chromosomes by the Genome Aggregation Database (gnomAD; dbSNP rs372966991). Although this variant has been seen in the general population, its frequency is low enough to be consistent with Fabry disease. Please note that for diseases with clinical variability, or reduced penetrance, pathogenic variants may be present at a low frequency in the general population. This variant has also been reported in ClinVar as pathogenic by EGL Genetic Diagnostics and Integrated Genetics (Variation ID: 195028). In vitro functional studies provide some evidence that the p.Arg112His variant may slightly impact protein function (PMID: 30386727, 27896103, 18205205, 23935525, 17532296, 17555407). However, these types of assays may not accurately represent biological function. Computational prediction tools and conservation analyses suggest that this variant will impact the protein, though this information is not predictive enough to determine pathogenicity. The phenotype of an individual hemizygous for this variant is highly specific for Fabry disease based on the classical phenotype consistent with disease (PMID: 27831900, 25040344, 25026990, 23913314, 7531540, 17532296, 18205205, 17555407). The p.Arg112His is located in a region of GLA that is essential to protein folding and stability, suggesting that this variant is in a functional domain and slightly supports pathogenicity (PMID: 27896103, 17555407). Two additional pathogenic variants, causing a different amino acid change at the same position, (p.Arg112Cys, p.Arg112Leu), have been reported in association with disease in the literature and ClinVar, supporting that a change at this position may not be tolerated (PMID: 1315715, 23935525, 14635108/Variation ID: 92550, 92551). In summary, this variant meets criteria to be classified as pathogenic for Fabry disease in an X-linked manner based on the prevalence of the variant in affected individuals, its absence from population databases, computational evidence suggesting the variant is deleterious, and functional studies with decreased enzyme activity. ACMG/AMP Criteria applied: PS4, PM5, PM2_supporting, PP3_moderate, PP1, PP4, PS3_supporting, PM1_supporting (Richards 2015).

Laboratory for Molecular Medicine, Mass General Brigham Personalized Medicine
Classification: Pathogenic for Fabry disease. Last evaluated: 2019-11-20. Review status: criteria provided, single submitter. Criteria: LMM Criteria. Collection method: clinical testing. Allele origin: germline. Inheritance: X-linked inheritance. Observed: 2 variant alleles.
Comment: The p.Arg112His variant in GLA has been reported in at least 8 individuals with either classic or atypical Fabry disease and segregated with disease in 2 affected male relatives from 2 families (Eng 1994, Shimotori 2008, Sirrs 2010, Gaggl 2013, Nishida 2014, Sechi 2014, Smid 2015, Arends 2017). This variant has been identified in 2/81850 European chromosomes by gnomAD and is reported by other clinical laboratories in ClinVar (Variation ID: 195028). Functional studies demonstrate that this variant is associated with reduced enzyme activity in patient samples (Nishida 2014) and in a transfected cell line (Shin 2007). Computational prediction tools and conservation analyses are consistent with pathogenicity. Additionally, a pathogenic variant at the same position, p.Arg112Cys, has been identified in patients with classic Fabry disease, suggesting that changes at this position may not be tolerated. In summary, this variant meets criteria to be classified as pathogenic for X-linked Fabry disease. ACMG/AMP Criteria applied: PS4, PM2, PM5, PS3_Moderate, PP1, PP3.

Blueprint Genetics
Classification: Pathogenic for GLA-related disorders. Last evaluated: 2019-08-20. Review status: criteria provided, single submitter. Criteria: ACMG Guidelines, 2015. Collection method: clinical testing. Allele origin: germline. Affected: yes. Observed: 1 variant allele.

Fulgent Genetics
Classification: Pathogenic for Fabry disease. Last evaluated: 2018-10-31. Review status: criteria provided, single submitter. Criteria: ACMG Guidelines, 2015. Collection method: clinical testing. Allele origin: unknown.

Eurofins Ntd Llc (ga)
Classification: Pathogenic. Last evaluated: 2017-10-05. Review status: criteria provided, single submitter. Criteria: EGL Classification Definitions 2015. Collection method: clinical testing. Allele origin: germline. Observed: 15 variant alleles, 10 heterozygotes, 5 hemizygotes.

Juno Genomics, Hangzhou Juno Genomics, Inc
Classification: Pathogenic for Fabry disease. Review status: criteria provided, single submitter. Criteria: ACMG Guidelines, 2015. Collection method: clinical testing. Allele origin: germline.
Comment: Absent from controls (or at extremely low frequency if recessive) in Genome Aggregation Database.;The prevalence of the variant in affected individuals is significantly increased compared to the prevalence in controls.;Co-segregation with disease in multiple affected family members.;Well-established in vitro or in vivo functional studies supportive of a damaging effect on the gene or gene product.

Natera, Inc.
Classification: Pathogenic for Fabry disease. Last evaluated: 2021-02-03. Review status: no assertion criteria provided. Collection method: clinical testing. Allele origin: germline. Not counted in ClinVar's aggregate classification.

Counsyl
Classification: Likely pathogenic for Fabry disease. Last evaluated: 2017-03-21. Review status: no assertion criteria provided. Collection method: clinical testing. Allele origin: unknown. Not counted in ClinVar's aggregate classification.

Clinical Genetics, Academic Medical Center
Classification: Pathogenic. Review status: no assertion criteria provided. Collection method: clinical testing. Allele origin: germline. Affected: yes. Study: VKGL Data-share Consensus. Not counted in ClinVar's aggregate classification.

Joint Genome Diagnostic Labs from Nijmegen and Maastricht, Radboudumc and MUMC+
Classification: Likely pathogenic. Review status: no assertion criteria provided. Collection method: clinical testing. Allele origin: germline. Affected: yes. Study: VKGL Data-share Consensus. Not counted in ClinVar's aggregate classification.

Literature cited by the submitters: PubMed 24395922 (cited by Genomenon, Inc); PubMed 32418857 (cited by Genomenon, Inc); PubMed 33072516 (cited by Genomenon, Inc); PubMed 27560961 (cited by Genomenon, Inc and Victorian Clinical Genetics Services, Murdoch Childrens Research Institute); PubMed 29543226 (cited by Genomenon, Inc); PubMed 18287059 (cited by Genomenon, Inc); PubMed 26880903 (cited by Genomenon, Inc); PubMed 26563328 (cited by Genomenon, Inc and Women's Health and Genetics/Laboratory Corporation of America, LabCorp); PubMed 30386727 (cited by 4 submitters); PubMed 23691425 (cited by Genomenon, Inc and Laboratory for Molecular Medicine, Mass General Brigham Personalized Medicine); PubMed 17206462 (cited by Genomenon, Inc); PubMed 15713906 (cited by Genomenon, Inc); PubMed 32023956 (cited by 4 submitters); PubMed 21598360 (cited by 4 submitters); PubMed 30723321 (cited by Genomenon, Inc); PubMed 23474038 (cited by Genomenon, Inc); PubMed 27657681 (cited by Genomenon, Inc); PubMed 18205205 (cited by 10 submitters); PubMed 7531540 (cited by 6 submitters); PubMed 17532296 (cited by 4 submitters); PubMed 25026990 (cited by 7 submitters); PubMed 25040344 (cited by 7 submitters); PubMed 17555407 (cited by 9 submitters); PubMed 23935525 (cited by 5 submitters); PubMed 33204599 (cited by 4 submitters); PubMed 34803097 (cited by 5 submitters); PubMed 37480128 (cited by 3 submitters); PubMed 11889412 (cited by Myriad Genetics, Inc. and Counsyl); PubMed 25596309 (cited by Myriad Genetics, Inc. and Counsyl); PubMed 31613176 (cited by Victorian Clinical Genetics Services, Murdoch Childrens Research Institute); PubMed 38903807 (cited by Victorian Clinical Genetics Services, Murdoch Childrens Research Institute); PubMed 8878432 (cited by Victorian Clinical Genetics Services, Murdoch Childrens Research Institute); PubMed 31996269 (cited by Victorian Clinical Genetics Services, Murdoch Childrens Research Institute); PubMed 1315715 (cited by 3billion); PubMed 23913314 (cited by 3 submitters); PubMed 24386359 (cited by Ambry Genetics); PubMed 25382311 (cited by Ambry Genetics); PubMed 27831900 (cited by Ambry Genetics and Broad Center for Mendelian Genomics, Broad Institute of MIT and Harvard); PubMed 30594474 (cited by Ambry Genetics and Women's Health and Genetics/Laboratory Corporation of America, LabCorp); PubMed 20022777 (cited by Women's Health and Genetics/Laboratory Corporation of America, LabCorp and Laboratory for Molecular Medicine, Mass General Brigham Personalized Medicine); PubMed 15776423 (cited by Women's Health and Genetics/Laboratory Corporation of America, LabCorp and Laboratory for Molecular Medicine, Mass General Brigham Personalized Medicine); PubMed 27979989 (cited by Laboratory for Molecular Medicine, Mass General Brigham Personalized Medicine).